The following is an entry in ClinVar:

ClinVar aggregate classification (germline): Conflicting classifications of pathogenicity. Review status: criteria provided, conflicting classifications (1 of 4 stars). 3 submissions from 3 submitters: Likely pathogenic (2); Uncertain significance (1). Last evaluated 2024-05-06.

Conditions:
Developmental and epileptic encephalopathy, 31A. Also called: Developmental and epileptic encephalopathy, 31; Epileptic encephalopathy, early infantile, 31. Identifiers: Orphanet 2382, MedGen C4225357, MONDO:0014598, OMIM 616346.

Submissions (3):

UAEU Genomics Laboratory, United Arab Emirates University
Classification: Likely pathogenic for Developmental and epileptic encephalopathy, 31A. Last evaluated: 2024-05-06. Review status: criteria provided, single submitter. Criteria: ACMG Guidelines, 2015. Collection method: research. Allele origin: de novo. Affected: yes. Observed: 1 variant allele.
Comment: PM2, PP2, PP3, PM6

Genetics and Molecular Pathology, SA Pathology
Classification: Uncertain significance for Developmental and epileptic encephalopathy, 31A. Last evaluated: 2021-05-31. Review status: criteria provided, single submitter. Criteria: ACMG Guidelines, 2015. Collection method: clinical testing. Allele origin: germline. Affected: yes.

GeneDx
Classification: Likely pathogenic. Last evaluated: 2019-05-09. Review status: criteria provided, single submitter. Criteria: GeneDx Variant Classification Process June 2021. Collection method: clinical testing. Allele origin: germline. Affected: yes.
Comment: Not observed in large population cohorts (Lek et al., 2016); In silico analysis, which includes protein predictors and evolutionary conservation, supports a deleterious effect; Has not been previously published as pathogenic or benign to our knowledge

NM_004408.4(DNM1):c.457G>A (p.Glu153Lys)

Genes: DNM1 (dynamin 1; plus strand), LOC113839516 (Sharpr-MPRA regulatory region 8497; plus strand). Cytogenetic location: 9q34.11.
Variant type: single nucleotide variant.
Coding change: c.457G>A on transcript NM_004408.4 (MANE Select); coding-DNA position 457, G replaced by A.
Protein change: p.Glu153Lys; replaces glutamic acid 153 with lysine.
Molecular consequence: missense variant.
Genome position (GRCh38, 1-based): chr9:128,219,120, G>A. VCF-style: chr9-128219120-G-A. GRCh37 (hg19) VCF-style: chr9-130981399-G-A.
Other names: c.457G>A, p.Glu153Lys (NM_001005336.3, NM_001288737.2, NM_001288738.2 and 1 more transcripts); short protein forms E153K.
Identifiers: ClinVar variation 546341 (VCV000546341.9), dbSNP rs1554772974, ClinGen allele CA375011018.